The following is an entry in ClinVar:

NM_000053.4(ATP7B):c.10C>T (p.Gln4Ter)

Gene: ATP7B (ATPase copper transporting beta; minus strand). Cytogenetic location: 13q14.3.
Variant type: single nucleotide variant.
Coding change: c.10C>T on transcript NM_000053.4 (MANE Select); coding-DNA position 10, C replaced by T.
Protein change: p.Gln4Ter; replaces glutamine 4 with a stop codon.
Molecular consequence: nonsense. On other transcripts: 5 prime UTR variant (3).
Genome position (GRCh38, 1-based): chr13:52,011,328, G>A on the plus strand (C>T on the coding strand, the complement: ATP7B is on the minus strand). VCF-style: chr13-52011328-G-A. GRCh37 (hg19) VCF-style: chr13-52585464-G-A.
Other names: c.10C>T, p.Gln4Ter (NM_001005918.3, NM_001243182.2, NM_001330578.2 and 30 more transcripts); c.-178C>T (NM_001406518.1); c.-120C>T (NM_001406539.1, NM_001406543.1); short protein forms Q4*.
Identifiers: ClinVar variation 5021430 (VCV005021430.1).

ClinVar aggregate classification (germline): Uncertain significance (1 of 4 stars; one submission).

Conditions:
Wilson disease (WND). Also called: Wilson's disease. Identifiers: Orphanet 905, MedGen C0019202, MONDO:0010200, OMIM 277900. Disease mechanism: loss of function.

Submission:

MVZ Dr. Eberhard & Partner Dortmund
Classification: Uncertain significance for Wilson disease. Review status: criteria provided, single submitter. Criteria: ACMG Guidelines, 2015. Collection method: clinical testing. Allele origin: unknown.
Comment: The nonsense variant c.10C>T p.(Gln4*) has not yet been described in the literature. This variant was absent from public population databases. It results in a premature stop codon at codon 4. Other variants leading to a premature stop codon at codon 20 are considered to be non-pathogenic (PMID: 30723317). We currently classify this variant as a variant of uncertain significance (VUS).

Literature cited by the submitters: PubMed 30723317.